The following is an entry in ClinVar:

ClinVar aggregate classification (germline): Conflicting classifications of pathogenicity. Review status: criteria provided, conflicting classifications (1 of 4 stars). 3 submissions from 3 submitters: Uncertain significance (1); Likely benign (2). Last evaluated 2024-12-02.

Conditions:
RYR1-related disorder. Also called: RYR1-related disorders; RYR1-related condition. Identifiers: MedGen CN239331.
Malignant hyperthermia, susceptibility to, 1 (MHS1). Also called: Anesthesia related hyperthermia; Malignant hyperpyrexia; Fulminating hyperpyrexia; Pharmacogenic myopathy; RYR1-Related Malignant Hyperthermia Susceptibility; Malignant hyperthermia suceptibility 1. Identifiers: Orphanet 423, MedGen C2930980, MONDO:0007783, OMIM 145600.

gnomAD v4.1: 5 of 1,608,758 alleles (0.00031%); highest among the groups gnomAD compares: Middle Eastern, 0.017%; no homozygotes.

Submissions (3):

Labcorp Genetics (formerly Invitae), Labcorp
Classification: Likely benign for RYR1-related disorder. Last evaluated: 2024-12-02. Review status: criteria provided, single submitter. Criteria: Invitae Variant Classification Sherloc (09022015). Collection method: clinical testing. Allele origin: germline.

All of Us Research Program, National Institutes of Health
Classification: Likely benign for Malignant hyperthermia, susceptibility to, 1. Last evaluated: 2023-12-18. Review status: criteria provided, single submitter. Criteria: ACMG Guidelines, 2015. Collection method: clinical testing. Allele origin: germline. Inheritance: Autosomal dominant inheritance. Observed: 1 variant allele, 1 heterozygote.
Comment: This study involves interpretation of variants in research participants for the purpose of population health screening. Participant phenotype was not available at the time of variant classification. Additional details can be found in publication PMID: 35346344, PMCID: PMC8962531

Blueprint Genetics
Classification: Uncertain significance. Last evaluated: 2022-01-05. Review status: criteria provided, single submitter. Criteria: ACMG Guidelines, 2015. Collection method: clinical testing. Allele origin: germline.

NM_000540.3(RYR1):c.7836-14G>A

Gene: RYR1 (ryanodine receptor 1; plus strand). Cytogenetic location: 19q13.2.
Variant type: single nucleotide variant.
Coding change: c.7836-14G>A on transcript NM_000540.3 (MANE Select); 14 bases into the intron before coding-DNA position 7836, G replaced by A.
Molecular consequence: intron variant.
Genome position (GRCh38, 1-based): chr19:38,502,866, G>A. VCF-style: chr19-38502866-G-A. GRCh37 (hg19) VCF-style: chr19-38993506-G-A.
Other names: c.7836-14G>A (NM_001042723.2).
Identifiers: ClinVar variation 2913616 (VCV002913616.5), dbSNP rs960439221, ClinGen allele CA882054462.
Genomic context (GRCh38, chr19:38,502,866, plus strand): 5'-GGGGGAGGAGCAGGGGCAGGGGCAGCAGAGCGGGCCTGGACGGGGGATTCTACATCTTGT[G>A]CATTGTCCCGCAGGTACATCCGCCCGTCGATGCTGCAGCACCTGTTGCGCCGCCTGGTGT-3'